The following is an entry in ClinVar:

ClinVar aggregate classification (germline): Uncertain significance (1 of 4 stars; one submission).

Conditions:
Inborn genetic diseases. Identifiers: MedGen C0950123, MeSH D030342.

Submission:

Ambry Genetics
Classification: Uncertain significance for Inborn genetic diseases. Last evaluated: 2026-03-29. Review status: criteria provided, single submitter. Criteria: Ambry Variant Classification Scheme 2023. Collection method: clinical testing. Allele origin: germline.
Comment: The p.S193R variant (also known as c.579T>G), located in coding exon 3 of the MBD4 gene, results from a T to G substitution at nucleotide position 579. The serine at codon 193 is replaced by arginine, an amino acid with dissimilar properties. This amino acid position is conserved. In addition, this alteration is predicted to be tolerated by in silico analysis. Based on the available evidence, the clinical significance of this variant remains unclear.

NM_001276270.2(MBD4):c.579T>G (p.Ser193Arg)

Gene: MBD4 (methyl-CpG binding domain 4, DNA glycosylase; minus strand). Cytogenetic location: 3q21.3.
Variant type: single nucleotide variant.
Coding change: c.579T>G on transcript NM_001276270.2 (MANE Select); coding-DNA position 579, T replaced by G.
Protein change: p.Ser193Arg; replaces serine 193 with arginine.
Molecular consequence: missense variant. On other transcripts: intron variant (1).
Genome position (GRCh38, 1-based): chr3:129,437,065, A>C on the plus strand (T>G on the coding strand, the complement: MBD4 is on the minus strand). VCF-style: chr3-129437065-A-C. GRCh37 (hg19) VCF-style: chr3-129155908-A-C.
Other names: c.579T>G, p.Ser193Arg (NM_001276271.2, NM_001276272.2, NM_003925.3); c.247+743T>G (NM_001276273.2); short protein forms S193R.
Identifiers: ClinVar variation 4859569 (VCV004859569.1).